The following is an entry in ClinVar:

ClinVar aggregate classification (germline): Uncertain significance (1 of 4 stars; one submission).

Conditions:
Inborn genetic diseases. Identifiers: MedGen C0950123, MeSH D030342.

Submission:

Ambry Genetics
Classification: Uncertain significance for Inborn genetic diseases. Last evaluated: 2023-02-19. Review status: criteria provided, single submitter. Criteria: Ambry Variant Classification Scheme 2023. Collection method: clinical testing. Allele origin: germline.
Comment: The p.V462A variant (also known as c.1385T>C), located in coding exon 10 of the ACD gene, results from a T to C substitution at nucleotide position 1385. The valine at codon 462 is replaced by alanine, an amino acid with similar properties. This amino acid position is conserved. In addition, this alteration is predicted to be tolerated by in silico analysis. Since supporting evidence is limited at this time, the clinical significance of this alteration remains unclear.

NM_001082486.2(ACD):c.1127T>C (p.Val376Ala)

Gene: ACD (ACD shelterin complex subunit and telomerase recruitment factor; minus strand). Cytogenetic location: 16q22.1.
Variant type: single nucleotide variant.
Coding change: c.1127T>C on transcript NM_001082486.2 (MANE Select); coding-DNA position 1127, T replaced by C.
Protein change: p.Val376Ala; replaces valine 376 with alanine.
Molecular consequence: missense variant.
Genome position (GRCh38, 1-based): chr16:67,658,065, A>G on the plus strand (T>C on the coding strand, the complement: ACD is on the minus strand). VCF-style: chr16-67658065-A-G. GRCh37 (hg19) VCF-style: chr16-67691968-A-G.
Other names: c.1040T>C, p.Val347Ala (NM_001410884.1); c.1118T>C, p.Val373Ala (NM_022914.3); short protein forms V347A, V376A, V373A.
Identifiers: ClinVar variation 2447156 (VCV002447156.2), dbSNP rs2543598505, ClinGen allele CA396351970.
Genomic context (GRCh38, chr16:67,658,065, plus strand): 5'-TGGGCTCCCCTGGTAGCTCCGGTCCTGGGAAAAGGCGGCCGATTCTTGCAGGGCAACCCT[A>G]CAAACTCCTTGAACTCCAGGCTAGGTTTCTGGGGCCTGGTCACAAGAGCCTGGTGTGGAC-3'
Protein context (NP_001075955.2, residues 366-386): QKPSLEFKEF[Val376Ala]GLPCKNRPPF